The following is an entry in ClinVar:

NM_178857.6(RP1L1):c.4401G>T (p.Arg1467Ser)

Gene: RP1L1 (RP1 like 1). Cytogenetic location: 8p23.1.
Variant type: single nucleotide variant.
Coding change: c.4401G>T on transcript NM_178857.6 (MANE Select); coding-DNA position 4401, G replaced by T.
Protein change: p.Arg1467Ser; replaces arginine 1467 with serine.
Molecular consequence: missense variant.
Genome position (GRCh38, 1-based): chr8:10,609,697, C>A on the plus strand (G>T on the coding strand, the complement: RP1L1 is on the minus strand). VCF-style: chr8-10609697-C-A. GRCh37 (hg19) VCF-style: chr8-10467207-C-A.
Other names: short protein forms R1467S.
Identifiers: ClinVar variation 361282 (VCV000361282.13), dbSNP rs4840498, ClinGen allele CA4624038.

ClinVar aggregate classification (germline): Benign. Review status: criteria provided, multiple submitters, no conflicts (2 of 4 stars). 6 submissions from 5 submitters: Benign (4). 2 of the submissions do not count toward it. Last evaluated 2021-11-07.

Conditions:
Occult macular dystrophy (OCMD). Also called: OMD; OCCULT MACULAR DYSTROPHY, SUSCEPTIBILITY TO. Identifiers: Orphanet 247834, MedGen C3150833, MONDO:0013316, OMIM 613587, HP:0030636.
Retinitis pigmentosa 88. Identifiers: MedGen C5394208, MONDO:0032940, OMIM 618826.

Allele frequency attached by ClinVar (database versions not stated): 1000 Genomes Project 30x 0.93691; 1000 Genomes Project 0.94089; TOPMed 0.94455; gnomAD 0.94637 and 0.94932; ESP Exome Variant Server 0.95158; ExAC 0.98196; gnomAD exomes 0.98423 and 0.99338.

Submissions (6):

Genome-Nilou Lab
Classification: Benign for Occult macular dystrophy. Last evaluated: 2021-11-07. Review status: criteria provided, single submitter. Criteria: ACMG Guidelines, 2015. Collection method: clinical testing. Allele origin: germline. Affected: no.

Genome-Nilou Lab
Classification: Benign for Retinitis pigmentosa 88. Last evaluated: 2021-11-07. Review status: criteria provided, single submitter. Criteria: ACMG Guidelines, 2015. Collection method: clinical testing. Allele origin: germline. Affected: no.

Illumina Laboratory Services, Illumina
Classification: Benign for Occult macular dystrophy. Last evaluated: 2018-01-12. Review status: criteria provided, single submitter. Criteria: ICSL Variant Classification Criteria 13 December 2019. Collection method: clinical testing. Allele origin: germline.
Comment: This variant was observed in the ICSL laboratory as part of a predisposition screen in an ostensibly healthy population. It had not been previously curated by ICSL or reported in the Human Gene Mutation Database (HGMD: prior to June 1st, 2018), and was therefore a candidate for classification through an automated scoring system. Utilizing variant allele frequency, disease prevalence and penetrance estimates, and inheritance mode, an automated score was calculated to assess if this variant is too frequent to cause the disease. Based on the score and internal cut-off values, a variant classified as benign is not then subjected to further curation. The score for this variant resulted in a classification of benign for this disease.

Breakthrough Genomics
Classification: Benign. Review status: criteria provided, single submitter. Criteria: ACMG Guidelines, 2015. Collection method: not provided. Allele origin: germline. Inheritance: Autosomal recessive inheritance. Affected: yes.

Diagnostic Laboratory, Department of Genetics, University Medical Center Groningen
Classification: Benign. Review status: no assertion criteria provided. Collection method: clinical testing. Allele origin: germline. Affected: yes. Study: VKGL Data-share Consensus. Not counted in ClinVar's aggregate classification.

Joint Genome Diagnostic Labs from Nijmegen and Maastricht, Radboudumc and MUMC+
Classification: Benign. Review status: no assertion criteria provided. Collection method: clinical testing. Allele origin: germline. Affected: yes. Study: VKGL Data-share Consensus. Not counted in ClinVar's aggregate classification.